The following is an entry in ClinVar:

NM_000157.4(GBA1):c.1295G>A (p.Trp432Ter)

Genes: GBA1 (glucosylceramidase beta 1; minus strand), LOC106627981 (GBA recombination region; plus strand). Cytogenetic location: 1q22.
Variant type: single nucleotide variant.
Coding change: c.1295G>A on transcript NM_000157.4 (MANE Select); coding-DNA position 1295, G replaced by A.
Protein change: p.Trp432Ter; replaces tryptophan 432 with a stop codon.
Molecular consequence: nonsense.
Genome position (GRCh38, 1-based): chr1:155,235,774, C>T on the plus strand (G>A on the coding strand, the complement: GBA1 is on the minus strand). VCF-style: chr1-155235774-C-T. GRCh37 (hg19) VCF-style: chr1-155205565-C-T.
Other names: c.1295G>A, p.Trp432Ter (NM_001005741.3, NM_001005742.3); c.1034G>A, p.Trp345Ter (NM_001171811.2); c.1148G>A, p.Trp383Ter (NM_001171812.2); short protein forms W345*, W383*, W432*.
Identifiers: ClinVar variation 4817709 (VCV004817709.1).

ClinVar aggregate classification (germline): Likely pathogenic (1 of 4 stars; one submission).

Conditions:
Gaucher disease. Also called: Acute cerebral Gaucher disease; Cerebroside lipidosis syndrome; Gaucher splenomegaly; Sphingolipidosis 1; Glucocerebrosidosis; Glucosylceramidase deficiency. Identifiers: Orphanet 355, MedGen C0017205, MONDO:0018150.

Submission:

Natera, Inc.
Classification: Likely pathogenic for Gaucher disease. Last evaluated: 2024-12-19. Review status: criteria provided, single submitter. Criteria: Natera Variant Classification Schema (03/2026). Collection method: clinical testing. Allele origin: germline.
Comment: The c.1295G>A variant in GBA1 is a nonsense variant predicted to introduce a stop codon at amino acid 432. This variant is expected to result in nonsense mediated decay, truncation, or a dysfunctional protein product. This variant is rare in the general population with a frequency below the threshold expected for the associated phenotype(s). Given the available evidence, this variant is classified as Likely Pathogenic.